The following is an entry in ClinVar:

NM_024675.4(PALB2):c.2160C>G (p.Thr720=)

Gene: PALB2 (partner and localizer of BRCA2; minus strand). Cytogenetic location: 16p12.2.
Variant type: single nucleotide variant.
Coding change: c.2160C>G on transcript NM_024675.4 (MANE Select); coding-DNA position 2160, C replaced by G.
Protein change: p.Thr720=; no amino-acid change (threonine 720 retained).
Molecular consequence: synonymous variant.
Genome position (GRCh38, 1-based): chr16:23,629,994, G>C on the plus strand (C>G on the coding strand, the complement: PALB2 is on the minus strand). VCF-style: chr16-23629994-G-C. GRCh37 (hg19) VCF-style: chr16-23641315-G-C.
Identifiers: ClinVar variation 742730 (VCV000742730.14), dbSNP rs1430544638, ClinGen allele CA494461136.
Genomic context (GRCh38, chr16:23,629,994, plus strand): 5'-TTGAGGGCCAAAGGCTGGAGTAGTACCTAAGATGGGGAAAGCAGGTGAACACATGTCTGT[G>C]GTAGGCCTGTCATTATCATCAGGCGCAACCGTATTTAAAGGAGTATAAAGTAATATGGAT-3'
Protein context (NP_078951.2, residues 710-730): TVAPDDNDRP[Thr720=]TDMCSPAFPI

ClinVar aggregate classification (germline): Benign/Likely benign. Review status: criteria provided, multiple submitters, no conflicts (2 of 4 stars). 4 submissions from 4 submitters: Benign (1); Likely benign (3). Last evaluated 2025-12-13.

Conditions:
Familial cancer of breast. Also called: BREAST CANCER, FAMILIAL; hereditary breast carcinoma; Hereditary breast cancer. Identifiers: Orphanet 227535, MedGen C0346153, MONDO:0016419, OMIM 114480. Disease mechanism: loss of function.
Hereditary cancer-predisposing syndrome. Also called: Neoplastic Syndromes, Hereditary; Hereditary Cancer Syndrome; Tumor predisposition; Hereditary neoplastic syndrome. Identifiers: Orphanet 140162, MedGen C0027672, MeSH D009386, MONDO:0015356.

Allele frequency attached by ClinVar (database versions not stated): gnomAD exomes below 0.00001.

Submissions (4):

Labcorp Genetics (formerly Invitae), Labcorp
Classification: Likely benign for Familial cancer of breast. Last evaluated: 2025-12-13. Review status: criteria provided, single submitter. Criteria: Invitae Variant Classification Sherloc (09022015). Collection method: clinical testing. Allele origin: germline.

ARUP Laboratories, Molecular Genetics and Genomics, ARUP Laboratories
Classification: Likely benign. Last evaluated: 2025-07-11. Review status: criteria provided, single submitter. Criteria: ARUP Molecular Germline Variant Investigation Process 2024. Collection method: clinical testing. Allele origin: germline.

Myriad Genetics, Inc.
Classification: Benign for Familial cancer of breast. Last evaluated: 2025-01-15. Review status: criteria provided, single submitter. Criteria: Myriad Autosomal Dominant, Autosomal Recessive and X-Linked Classification Criteria (2023). Collection method: clinical testing. Allele origin: unknown.
Comment: This variant is considered benign. This variant is a silent/synonymous amino acid change and it is not expected to impact splicing.

Ambry Genetics
Classification: Likely benign for Hereditary cancer-predisposing syndrome. Last evaluated: 2017-01-20. Review status: criteria provided, single submitter. Criteria: Ambry Variant Classification Scheme 2023. Collection method: clinical testing. Allele origin: germline.